The following is an entry in ClinVar:

NM_006231.4(POLE):c.5792C>G (p.Ser1931Cys)

Gene: POLE (DNA polymerase epsilon, catalytic subunit; minus strand). Cytogenetic location: 12q24.33.
Variant type: single nucleotide variant.
Coding change: c.5792C>G on transcript NM_006231.4 (MANE Select); coding-DNA position 5792, C replaced by G.
Protein change: p.Ser1931Cys; replaces serine 1931 with cysteine.
Molecular consequence: missense variant.
Genome position (GRCh38, 1-based): chr12:132,635,911, G>C on the plus strand (C>G on the coding strand, the complement: POLE is on the minus strand). VCF-style: chr12-132635911-G-C. GRCh37 (hg19) VCF-style: chr12-133212497-G-C.
Other names: c.5792C>G (NM_006231.2); short protein forms S1931C.
Identifiers: ClinVar variation 579705 (VCV000579705.15), dbSNP rs879254232, ClinGen allele CA387372755.

ClinVar aggregate classification (germline): Conflicting classifications of pathogenicity. Review status: criteria provided, conflicting classifications (1 of 4 stars). 4 submissions from 4 submitters: Uncertain significance (2); Likely benign (1). 1 of the submissions does not count toward it. Last evaluated 2026-01-20.

Conditions:
POLE-related disorder. Also called: POLE-related condition; POLE-related disorders.
Hereditary cancer-predisposing syndrome. Also called: Neoplastic Syndromes, Hereditary; Tumor predisposition; Hereditary neoplastic syndrome; Hereditary Cancer Syndrome. Identifiers: Orphanet 140162, MedGen C0027672, MeSH D009386, MONDO:0015356.

Submissions (4):

Labcorp Genetics (formerly Invitae), Labcorp
Classification: Uncertain significance. Last evaluated: 2026-01-20. Review status: criteria provided, single submitter. Criteria: Invitae Variant Classification Sherloc (09022015). Collection method: clinical testing. Allele origin: germline.
Comment: This sequence change replaces serine, which is neutral and polar, with cysteine, which is neutral and slightly polar, at codon 1931 of the POLE protein (p.Ser1931Cys). This variant is not present in population databases (gnomAD no frequency). This variant has not been reported in the literature in individuals affected with POLE-related conditions. ClinVar contains an entry for this variant (Variation ID: 579705). Invitae Evidence Modeling of protein sequence and biophysical properties (such as structural, functional, and spatial information, amino acid conservation, physicochemical variation, residue mobility, and thermodynamic stability) indicates that this missense variant is not expected to disrupt POLE protein function with a negative predictive value of 80%. In summary, the available evidence is currently insufficient to determine the role of this variant in disease. Therefore, it has been classified as a Variant of Uncertain Significance.

Ambry Genetics
Classification: Likely benign for Hereditary cancer-predisposing syndrome. Last evaluated: 2025-04-02. Review status: criteria provided, single submitter. Criteria: Ambry Variant Classification Scheme 2023. Collection method: clinical testing. Allele origin: germline.

GeneDx
Classification: Uncertain significance. Last evaluated: 2024-05-28. Review status: criteria provided, single submitter. Criteria: GeneDx Variant Classification Process June 2021. Collection method: clinical testing. Allele origin: germline. Affected: yes.
Comment: Not observed at significant frequency in large population cohorts (gnomAD); In silico analysis supports that this missense variant has a deleterious effect on protein structure/function; Has not been previously published as pathogenic or benign to our knowledge

PreventionGenetics, part of Exact Sciences
Classification: Uncertain significance for POLE-related condition. Last evaluated: 2024-03-19. Review status: no assertion criteria provided. Collection method: clinical testing. Allele origin: germline. Not counted in ClinVar's aggregate classification.
Comment: The POLE c.5792C>G variant is predicted to result in the amino acid substitution p.Ser1931Cys. To our knowledge, this variant has not been reported in the literature or in a large population database, indicating this variant is rare. In the ClinVar database, this variant has been listed as 'uncertain significance' by several outside laboratories. At this time, the clinical significance of this variant is uncertain due to the absence of conclusive functional and genetic evidence.